The following is an entry in ClinVar:

ClinVar aggregate classification (germline): Uncertain significance. Review status: criteria provided, multiple submitters, no conflicts (2 of 4 stars). 3 submissions from 3 submitters: Uncertain significance (2). 1 of the submissions does not count toward it. Last evaluated 2025-02-27.

Conditions:
ALPL-related disorder. Also called: ALPL-related disorders; ALPL-related condition.
Adult hypophosphatasia. Identifiers: Orphanet 247676, Orphanet 436, MedGen C0268413, MONDO:1010154, OMIM 146300, MONDO:0007798.
Childhood hypophosphatasia. Identifiers: Orphanet 247667, Orphanet 436, MedGen C0220743, MONDO:1010168, OMIM 241510, MONDO:0009428.
Infantile hypophosphatasia. Identifiers: Orphanet 247651, Orphanet 436, MedGen C0268412, MONDO:1010169, OMIM 241500, MONDO:0009427.

Allele frequency attached by ClinVar (database versions not stated): gnomAD 0.00001; TOPMed 0.00002; ExAC 0.00003; gnomAD exomes 0.00004.
gnomAD v4.1: 55 of 1,597,830 alleles (0.0034%); highest among the groups gnomAD compares: Non-Finnish European, 0.0045%; no homozygotes.

Submissions (3):

Labcorp Genetics (formerly Invitae), Labcorp
Classification: Uncertain significance. Last evaluated: 2025-02-27. Review status: criteria provided, single submitter. Criteria: Invitae Variant Classification Sherloc (09022015). Collection method: clinical testing. Allele origin: germline.
Comment: This sequence change falls in intron 4 of the ALPL gene. It does not directly change the encoded amino acid sequence of the ALPL protein. It affects a nucleotide within the consensus splice site. The frequency data for this variant in the population databases is considered unreliable, as metrics indicate poor data quality at this position in the gnomAD database. This variant has not been reported in the literature in individuals affected with ALPL-related conditions. ClinVar contains an entry for this variant (Variation ID: 3018325). Variants that disrupt the consensus splice site are a relatively common cause of aberrant splicing (PMID: 17576681, 9536098). Algorithms developed to predict the effect of sequence changes on RNA splicing suggest that this variant is not likely to affect RNA splicing. In summary, the available evidence is currently insufficient to determine the role of this variant in disease. Therefore, it has been classified as a Variant of Uncertain Significance.

Fulgent Genetics
Classification: Uncertain significance for Adult hypophosphatasia; Infantile hypophosphatasia; Childhood hypophosphatasia. Last evaluated: 2024-03-27. Review status: criteria provided, single submitter. Criteria: ACMG Guidelines, 2015. Collection method: clinical testing. Allele origin: germline.

PreventionGenetics, part of Exact Sciences
Classification: Likely benign for ALPL-related condition. Last evaluated: 2019-07-09. Review status: no assertion criteria provided. Collection method: clinical testing. Allele origin: germline. Not counted in ClinVar's aggregate classification.
Comment: This variant is classified as likely benign based on ACMG/AMP sequence variant interpretation guidelines (Richards et al. 2015 PMID: 25741868, with internal and published modifications).

Literature cited by the submitters: PubMed 17576681 (cited by Labcorp Genetics (formerly Invitae), Labcorp); PubMed 9536098 (cited by Labcorp Genetics (formerly Invitae), Labcorp).

NM_000478.6(ALPL):c.297+6C>T

Gene: ALPL (alkaline phosphatase, biomineralization associated; plus strand). Cytogenetic location: 1p36.12.
Variant type: single nucleotide variant.
Coding change: c.297+6C>T on transcript NM_000478.6 (MANE Select); 6 bases into the intron after coding-DNA position 297, C replaced by T.
Molecular consequence: intron variant.
Genome position (GRCh38, 1-based): chr1:21,561,218, C>T. VCF-style: chr1-21561218-C-T. GRCh37 (hg19) VCF-style: chr1-21887711-C-T.
Other names: c.297+6C>T (NM_000478.5, NM_001369805.2, NM_001369804.2 and 1 more transcripts); c.132+6C>T (NM_001127501.4); c.66+473C>T (NM_001177520.3).
Identifiers: ClinVar variation 3018325 (VCV003018325.6), dbSNP rs761473320, ClinGen allele CA666444.